The following is an entry in ClinVar:

ClinVar aggregate classification (germline): Likely benign (1 of 4 stars; one submission).

Conditions:
ARL13B-related disorder. Also called: ARL13B-related condition.

gnomAD v4.1: 13 of 1,612,272 alleles (0.00081%); highest among the groups gnomAD compares: Admixed American, 0.018%; no homozygotes.

Submission:

PreventionGenetics, part of Exact Sciences
Classification: Likely benign for ARL13B-related condition. Last evaluated: 2026-08-28. Review status: criteria provided, single submitter. Criteria: ACMG Guidelines, 2015. Collection method: clinical testing. Allele origin: germline.
Comment: This variant is classified as likely benign based on ACMG/AMP sequence variant interpretation guidelines (Richards et al. 2015 PMID: 25741868, with internal and published modifications).

NM_001174150.2(ARL13B):c.-2G>T

Gene: ARL13B (ARF like GTPase 13B; plus strand). Cytogenetic location: 3q11.1.
Variant type: single nucleotide variant.
Coding change: c.-2G>T on transcript NM_001174150.2 (MANE Select); 2 bases upstream of the start codon, G replaced by T.
Molecular consequence: 5 prime UTR variant. On other transcripts: non-coding transcript variant (2).
Genome position (GRCh38, 1-based): chr3:93,980,422, G>T. VCF-style: chr3-93980422-G-T. GRCh37 (hg19) VCF-style: chr3-93699266-G-T.
Other names: c.-240G>T (NM_001174151.2); c.-169G>T (NM_001321328.2); c.-2G>T (NM_001410782.1, NM_001437443.1, NM_144996.4 and 1 more transcripts).
Identifiers: ClinVar variation 4983537 (VCV004983537.1).